The following is an entry in ClinVar:

NM_032790.4(ORAI1):c.55delA (p.Ser19Alafs)

Genes: ORAI1 (ORAI calcium release-activated calcium modulator 1; plus strand), LOC130008987 (ATAC-STARR-seq lymphoblastoid silent region 4981; plus strand). Cytogenetic location: 12q24.31.
Variant type: Deletion.
Coding change: c.55delA on transcript NM_032790.4 (MANE Select); coding-DNA position 55, one base deleted (A).
Protein change: p.Ser19Alafs; shifts the reading frame from serine 19.
Genome position (GRCh38, 1-based): chr12:121,626,797, A deleted; the last of 2 consecutive A bases (chr12:121,626,796-121,626,797); deleting either gives the same sequence. VCF-style (leftmost placement, unchanged base first): chr12-121626795-CA-C. GRCh37 (hg19) VCF-style: chr12-122064700-CA-C.
Other names: short protein forms S19fs.
Identifiers: ClinVar variation 1471300 (VCV001471300.6), dbSNP rs2136841389, ClinGen allele CA2573148017.

ClinVar aggregate classification (germline): Uncertain significance (1 of 4 stars; one submission).

Conditions:
Myopathy, tubular aggregate, 2 (TAM2). Identifiers: MedGen C4014557, MONDO:0014383, OMIM 615883.
Combined immunodeficiency due to ORAI1 deficiency. Also called: IMMUNODEFICIENCY 9. Identifiers: Orphanet 169090, Orphanet 317428, MedGen C2748568, MONDO:0013007, OMIM 612782.

Submission:

Labcorp Genetics (formerly Invitae), Labcorp
Classification: Uncertain significance for Myopathy, tubular aggregate, 2; Combined immunodeficiency due to ORAI1 deficiency. Last evaluated: 2025-10-03. Review status: criteria provided, single submitter. Criteria: Invitae Variant Classification Sherloc (09022015). Collection method: clinical testing. Allele origin: germline.
Comment: This sequence change creates a premature translational stop signal (p.Ser19Alafs*45) in the ORAI1 gene. It is expected to result in an absent or disrupted protein product. However, the current clinical and genetic evidence is not sufficient to establish whether loss-of-function variants in ORAI1 cause disease. This variant is not present in population databases (gnomAD no frequency). This variant has not been reported in the literature in individuals affected with ORAI1-related conditions. ClinVar contains an entry for this variant (Variation ID: 1471300). In summary, the available evidence is currently insufficient to determine the role of this variant in disease. Therefore, it has been classified as a Variant of Uncertain Significance.